The following is an entry in ClinVar:

NM_018297.4(NGLY1):c.1819dup (p.Ser607fs)

Gene: NGLY1 (N-glycanase 1; minus strand). Cytogenetic location: 3p24.2.
Variant type: Duplication.
Coding change: c.1819dup on transcript NM_018297.4 (MANE Select); coding-DNA position 1819, one base duplicated (T; older notation c.1819dupT).
Protein change: p.Ser607fs; shifts the reading frame from serine 607.
Molecular consequence: frameshift variant.
Genome position (GRCh38, 1-based): chr3:25,719,606, A duplicated on the plus strand (T on the coding strand, the reverse complement: NGLY1 is on the minus strand); the first of 5 consecutive A bases (chr3:25,719,606-25,719,610); duplicating any one gives the same sequence. VCF-style (leftmost placement, unchanged base first): chr3-25719605-G-GA. GRCh37 (hg19) VCF-style: chr3-25761096-G-GA.
Other names: c.1765dup, p.Ser589fs (NM_001145293.2); c.1693dup, p.Ser565fs (NM_001145294.2); c.1641dup, p.Leu548fs (NM_001145295.2); short protein forms S565fs, L548fs, S607fs, S589fs.
Identifiers: ClinVar variation 817413 (VCV000817413.9), dbSNP rs1470912253, ClinGen allele CA905621804.

ClinVar aggregate classification (germline): Pathogenic/Likely pathogenic. Review status: criteria provided, multiple submitters, no conflicts (2 of 4 stars). 2 submissions from 2 submitters: Pathogenic (1); Likely pathogenic (1). Last evaluated 2021-05-04.

Conditions:
Congenital disorder of deglycosylation (CDDG). Identifiers: MedGen C3808991, MONDO:0031376.

Submissions (2):

Labcorp Genetics (formerly Invitae), Labcorp
Classification: Pathogenic for Congenital disorder of deglycosylation. Last evaluated: 2021-05-04. Review status: criteria provided, single submitter. Criteria: Invitae Variant Classification Sherloc (09022015). Collection method: clinical testing. Allele origin: germline.
Comment: This variant is not present in population databases (ExAC no frequency). This variant has not been reported in the literature in individuals with NGLY1-related conditions. ClinVar contains an entry for this variant (Variation ID: 817413). This variant disrupts the C-terminus of the NGLY1 protein. Other variant(s) that disrupt this region (p.Gln631Serfs*7) have been determined to be pathogenic (PMID: 24651605, 25900930, 30740912). This suggests that variants that disrupt this region of the protein are likely to be causative of disease. For these reasons, this variant has been classified as Pathogenic. This sequence change creates a premature translational stop signal (p.Ser607Phefs*5) in the NGLY1 gene. While this is not anticipated to result in nonsense mediated decay, it is expected to disrupt the last 48 amino acid(s) of the NGLY1 protein.

GeneDx
Classification: Likely pathogenic. Last evaluated: 2019-01-17. Review status: criteria provided, single submitter. Criteria: GeneDx Variant Classification (06012015). Collection method: clinical testing. Allele origin: germline. Affected: yes.
Comment: The c.1819dupT variant in the NGLY1 gene has not been reported previously as a pathogenic variant nor as a benign variant, to our knowledge. The c.1819dupT variant causes a frameshift starting with codon Serine 607, changes this amino acid to a Phenylalanine residue, and creates a premature Stop codon at position 5 of the new reading frame, denoted p.Ser607PhefsX5. This variant is predicted to cause loss of normal protein function through protein truncation. The c.1819dupT variant is not observed in large population cohorts (Lek et al., 2016). We interpret c.1819dupT as a likely pathogenic variant.

Literature cited by the submitters: PubMed 24651605 (cited by Labcorp Genetics (formerly Invitae), Labcorp); PubMed 25900930 (cited by Labcorp Genetics (formerly Invitae), Labcorp); PubMed 30740912 (cited by Labcorp Genetics (formerly Invitae), Labcorp).